The following is an entry in ClinVar:

NM_006767.4(LZTR1):c.2408del (p.Val803fs)

Gene: LZTR1 (leucine zipper like post translational regulator 1; plus strand). Cytogenetic location: 22q11.21.
Variant type: Deletion.
Coding change: c.2408del on transcript NM_006767.4 (MANE Select); coding-DNA position 2408, one base deleted (T; older notation c.2408delT).
Protein change: p.Val803fs; shifts the reading frame from valine 803.
Molecular consequence: frameshift variant.
Genome position (GRCh38, 1-based): chr22:20,997,233, T deleted. VCF-style (leftmost placement, unchanged base first): chr22-20997232-GT-G. GRCh37 (hg19) VCF-style: chr22-21351521-GT-G.
Other names: short protein forms V803fs.
Identifiers: ClinVar variation 2027824 (VCV002027824.4), dbSNP rs2518626591, ClinGen allele CA2580099335.
Genomic context (GRCh38, chr22:20,997,232, plus strand): 5'-GCCCACCATGGCCCTTAGGTGGATCTGGTCCCATCTCCTTCCGGCCTGCTTGCCTTACAG[GT>G]CTCCAAGTTGCCCACCCTGCGGTCGCTGAGCCAGCAGCTGCTGCTGGACATCATAGACTC-3'

ClinVar aggregate classification (germline): Pathogenic (1 of 4 stars; one submission).

Submission:

Labcorp Genetics (formerly Invitae), Labcorp
Classification: Pathogenic. Last evaluated: 2022-08-31. Review status: criteria provided, single submitter. Criteria: Invitae Variant Classification Sherloc (09022015). Collection method: clinical testing. Allele origin: germline.
Comment: This variant has not been reported in the literature in individuals affected with LZTR1-related conditions. This sequence change creates a premature translational stop signal (p.Val803Alafs*10) in the LZTR1 gene. While this is not anticipated to result in nonsense mediated decay, it is expected to disrupt the last 38 amino acid(s) of the LZTR1 protein. This variant is not present in population databases (gnomAD no frequency). For these reasons, this variant has been classified as Pathogenic. This variant disrupts a region of the LZTR1 protein in which other variant(s) (p.Leu806Trp) have been determined to be pathogenic (Invitae). This suggests that this is a clinically significant region of the protein, and that variants that disrupt it are likely to be disease-causing.